The following is an entry in ClinVar:

ClinVar aggregate classification (germline): Pathogenic/Likely pathogenic. Review status: criteria provided, multiple submitters, no conflicts (2 of 4 stars). 4 submissions from 4 submitters: Pathogenic (1); Likely pathogenic (1). 2 of the submissions do not count toward it. Last evaluated 2023-06-11.

Conditions:
Charcot-Marie-Tooth disease axonal type 2S. Also called: CHARCOT-MARIE-TOOTH NEUROPATHY, TYPE 2S; CHARCOT-MARIE-TOOTH DISEASE, AXONAL, AUTOSOMAL RECESSIVE, TYPE 2S. Identifiers: Orphanet 443073, MedGen C4015349, MONDO:0014511, OMIM 616155.
Autosomal recessive distal spinal muscular atrophy 1. Also called: NEURONOPATHY, DISTAL HEREDITARY MOTOR, HARDING TYPE VI; NEUROPATHY, DISTAL HEREDITARY MOTOR, AUTOSOMAL RECESSIVE 1; Spinal muscular atrophy with respiratory distress 1; HMN VI; NEURONOPATHY, SEVERE INFANTILE AXONAL, WITH RESPIRATORY FAILURE; SEVERE INFANTILE AXONAL NEUROPATHY WITH RESPIRATORY FAILURE. Identifiers: Orphanet 98920, MedGen C1858517, MONDO:0011436, OMIM 604320.
Distal spinal muscular atrophy. Also called: Distal hereditary motor neuronopathy; Distal hereditary motor neuropathy. Identifiers: Orphanet 53739, MedGen C0393541, MONDO:0018894.

Allele frequency attached by ClinVar (database versions not stated): gnomAD exomes below 0.00001.

Submissions (4):

Labcorp Genetics (formerly Invitae), Labcorp
Classification: Pathogenic for Autosomal recessive distal spinal muscular atrophy 1; Charcot-Marie-Tooth disease axonal type 2S. Last evaluated: 2023-06-11. Review status: criteria provided, single submitter. Criteria: Invitae Variant Classification Sherloc (09022015). Collection method: clinical testing. Allele origin: germline.
Comment: This sequence change creates a premature translational stop signal (p.Gln302*) in the IGHMBP2 gene. It is expected to result in an absent or disrupted protein product. Loss-of-function variants in IGHMBP2 are known to be pathogenic (PMID: 14681881, 25439726, 25568292). This variant is present in population databases (rs557416644, gnomAD 0.0009%). This premature translational stop signal has been observed in individual(s) with spinal muscular atrophy with respiratory distress (PMID: 17431882). ClinVar contains an entry for this variant (Variation ID: 522258). Algorithms developed to predict the effect of sequence changes on RNA splicing suggest that this variant may disrupt the consensus splice site. For these reasons, this variant has been classified as Pathogenic.

Genome Diagnostics Laboratory, University Medical Center Utrecht
Classification: Likely pathogenic for Autosomal recessive distal spinal muscular atrophy 1. Last evaluated: 2017-07-28. Review status: criteria provided, single submitter. Criteria: ACGS Guidelines, 2013. Collection method: clinical testing. Allele origin: germline. Affected: yes. Study: VKGL Data-share Consensus.

Clinical Genetics, Academic Medical Center
Classification: Pathogenic. Review status: no assertion criteria provided. Collection method: clinical testing. Allele origin: germline. Affected: yes. Study: VKGL Data-share Consensus. Not counted in ClinVar's aggregate classification.

Inherited Neuropathy Consortium
Classification: Uncertain significance for Distal spinal muscular atrophy. Review status: no assertion criteria provided. Collection method: literature only. Allele origin: germline. Affected: yes. Not counted in ClinVar's aggregate classification.

Literature cited by the submitters: PubMed 14681881 (cited by Labcorp Genetics (formerly Invitae), Labcorp); PubMed 25439726 (cited by Labcorp Genetics (formerly Invitae), Labcorp); PubMed 25568292 (cited by Labcorp Genetics (formerly Invitae), Labcorp); PubMed 17431882 (cited by Labcorp Genetics (formerly Invitae), Labcorp and Inherited Neuropathy Consortium).

NM_002180.3(IGHMBP2):c.904C>T (p.Gln302Ter)

Gene: IGHMBP2 (immunoglobulin mu DNA binding protein 2; plus strand). Cytogenetic location: 11q13.3.
Variant type: single nucleotide variant.
Coding change: c.904C>T on transcript NM_002180.3 (MANE Select); coding-DNA position 904, C replaced by T.
Protein change: p.Gln302Ter; replaces glutamine 302 with a stop codon.
Molecular consequence: nonsense.
Genome position (GRCh38, 1-based): chr11:68,915,015, C>T. VCF-style: chr11-68915015-C-T. GRCh37 (hg19) VCF-style: chr11-68682483-C-T.
Other names: short protein forms Q302*.
Identifiers: ClinVar variation 522258 (VCV000522258.8), dbSNP rs557416644, ClinGen allele CA223392614.